The following is an entry in ClinVar:

NM_002860.4(ALDH18A1):c.1152+6A>C

Gene: ALDH18A1 (aldehyde dehydrogenase 18 family member A1; minus strand). Cytogenetic location: 10q24.1.
Variant type: single nucleotide variant.
Coding change: c.1152+6A>C on transcript NM_002860.4 (MANE Select); 6 bases into the intron after coding-DNA position 1152, A replaced by C.
Molecular consequence: intron variant.
Genome position (GRCh38, 1-based): chr10:95,626,697, T>G on the plus strand (A>C on the coding strand, the complement: ALDH18A1 is on the minus strand). VCF-style: chr10-95626697-T-G. GRCh37 (hg19) VCF-style: chr10-97386454-T-G.
Other names: c.516+6A>C (NM_001323419.2); c.819+6A>C (NM_001323412.2, NM_001323416.2); c.1047+6A>C (NM_001323417.2); c.1146+6A>C (NM_001017423.2, NM_001323415.2); c.813+6A>C (NM_001323418.2); c.1152+6A>C (NM_001323413.2, NM_001323414.2).
Identifiers: ClinVar variation 1944342 (VCV001944342.5), dbSNP rs2526820599, ClinGen allele CA2580082569.

ClinVar aggregate classification (germline): Uncertain significance (1 of 4 stars; one submission).

Conditions:
Cutis laxa, autosomal dominant 3 (ADCL3). Identifiers: Orphanet 90348, MedGen C4225268, MONDO:0014706, OMIM 616603.
Autosomal dominant spastic paraplegia type 9. Identifiers: MedGen C1832669, MONDO:0015091.
de Barsy syndrome. Also called: Cutis laxa-corneal clouding-oligophrenia syndrome. Identifiers: Orphanet 2962, MedGen C0268354, MONDO:0017569.

Submission:

Labcorp Genetics (formerly Invitae), Labcorp
Classification: Uncertain significance for Autosomal dominant spastic paraplegia type 9; de Barsy syndrome; Cutis laxa, autosomal dominant 3. Last evaluated: 2024-10-16. Review status: criteria provided, single submitter. Criteria: Invitae Variant Classification Sherloc (09022015). Collection method: clinical testing. Allele origin: germline.
Comment: This sequence change falls in intron 10 of the ALDH18A1 gene. It does not directly change the encoded amino acid sequence of the ALDH18A1 protein. It affects a nucleotide within the consensus splice site. This variant is not present in population databases (gnomAD no frequency). This variant has not been reported in the literature in individuals affected with ALDH18A1-related conditions. ClinVar contains an entry for this variant (Variation ID: 1944342). Variants that disrupt the consensus splice site are a relatively common cause of aberrant splicing (PMID: 17576681, 9536098). Algorithms developed to predict the effect of sequence changes on RNA splicing suggest that this variant is not likely to affect RNA splicing. In summary, the available evidence is currently insufficient to determine the role of this variant in disease. Therefore, it has been classified as a Variant of Uncertain Significance.

Literature cited by the submitters: PubMed 17576681; PubMed 9536098.